The following is an entry in ClinVar:

ClinVar aggregate classification (germline): Pathogenic. Review status: criteria provided, multiple submitters, no conflicts (2 of 4 stars). 14 submissions from 11 submitters: Pathogenic (8). 6 of the submissions do not count toward it. Last evaluated 2025-12-22.

Conditions:
benign sporadic infantile epilepsy.
Benign familial infantile epilepsy. Also called: Benign familial infantile seizures. Identifiers: Orphanet 306, MedGen C5575231, MONDO:0017615.
Complex neurodevelopmental disorder. Identifiers: Orphanet 528084, MedGen C5568766, MONDO:0100038.
SCN2A-related disorder. Also called: SCN2A-related disorders; SCN2A-related condition. Identifiers: MedGen CN382226, MONDO:1060245.
Developmental and epileptic encephalopathy. Identifiers: MedGen C5779964, MONDO:0100620.
Developmental and epileptic encephalopathy, 11 (DEE11). Also called: Early infantile epileptic encephalopathy 11. Identifiers: Orphanet 1934, MedGen C3150987, MONDO:0013388, OMIM 613721.
Seizures, benign familial infantile, 3 (BFIS3). Also called: CONVULSIONS, BENIGN FAMILIAL INFANTILE, 3; Familial neonatal seizures. Identifiers: Orphanet 140927, Orphanet 306, MedGen C1843140, MONDO:0011904, OMIM 607745.

Allele frequency attached by ClinVar (database versions not stated): gnomAD exomes below 0.00001.
gnomAD v4.1: 1 of 1,613,198 alleles (0.000062%); highest among the groups gnomAD compares: Non-Finnish European, 0.000085%; no homozygotes.

Submissions (15):

Labcorp Genetics (formerly Invitae), Labcorp
Classification: Pathogenic for Seizures, benign familial infantile, 3; Developmental and epileptic encephalopathy, 11. Last evaluated: 2025-12-22. Review status: criteria provided, single submitter. Criteria: Invitae Variant Classification Sherloc (09022015). Collection method: clinical testing. Allele origin: germline.
Comment: This sequence change replaces arginine, which is basic and polar, with glutamine, which is neutral and polar, at codon 1319 of the SCN2A protein (p.Arg1319Gln). This variant is not present in population databases (gnomAD no frequency). This missense change has been observed in individual(s) with infantile-onset epileptic encephalopathy (PMID: 15048894, 28379373). In at least one individual the variant was observed to be de novo. It has also been observed to segregate with disease in related individuals. ClinVar contains an entry for this variant (Variation ID: 12880). Invitae Evidence Modeling of protein sequence and biophysical properties (such as structural, functional, and spatial information, amino acid conservation, physicochemical variation, residue mobility, and thermodynamic stability) indicates that this missense variant is expected to disrupt SCN2A protein function with a positive predictive value of 95%. Experimental studies have shown that this missense change affects SCN2A function (PMID: 18479388). This variant disrupts the p.Arg1319 amino acid residue in SCN2A. Other variant(s) that disrupt this residue have been determined to be pathogenic (PMID: 27781031). This suggests that this residue is clinically significant, and that variants that disrupt this residue are likely to be disease-causing. For these reasons, this variant has been classified as Pathogenic.

PreventionGenetics, part of Exact Sciences
Classification: Pathogenic for SCN2A-related condition. Last evaluated: 2025-11-14. Review status: criteria provided, single submitter. Criteria: ACMG Guidelines, 2015. Collection method: clinical testing. Allele origin: germline.
Comment: The SCN2A c.3956G>A variant is predicted to result in the amino acid substitution p.Arg1319Gln. This variant has been reported to be de novo and to segregate with disease in multiple families with SCN2A-related disease (see, for example, Berkovic et al. 2004. PubMed ID: 15048894; Wolff et al. 2017. PubMed ID: 28379373). Functional studies demonstrate impaired activation, delayed recovery from fast inactivation, as well as reduced peak current and cell surface expression (Scalmani et al. 2006. PubMed ID: 17021166; Misra et al. 2008. PubMed ID: 18479388). Alternate missense changes affecting the same amino acid position (p.Arg1319Trp, p.Arg1319Pro, p.Arg1319Leu) have been reported de novo in individuals with WEST syndrome and neurodevelopmental disorders (Møller et al. 2016. PubMed ID: 27781031; Table S11, Stessman et al. 2017. PubMed ID: 28191889; Table S1, Kaplanis et al. 2020. PubMed ID: 33057194). This variant has not been reported in a large population database (gnomAD), indicating this variant is rare. This variant is interpreted as pathogenic.

3billion
Classification: Pathogenic for Developmental and epileptic encephalopathy, 11. Last evaluated: 2024-09-13. Review status: criteria provided, single submitter. Criteria: ACMG Guidelines, 2015. Collection method: clinical testing. Allele origin: germline. Affected: yes.
Comment: The variant is observed at an extremely low frequency in the gnomAD v4.0.0 dataset (total allele frequency: <0.001%). Predicted Consequence/Location: Missense variant In silico tool predictions suggest damaging effect of the variant on gene or gene product [REVEL: 0.87 (>=0.6, sensitivity 0.68 and specificity 0.92); 3Cnet: 0.99 (>=0.6, sensitivity 0.72 and precision 0.9)]. The same nucleotide change resulting in the same amino acid change has been previously reported as pathogenic/likely pathogenic with strong evidence (ClinVar ID: VCV000012880 /PMID: 15048894). The variant has been previously reported as assumed (i.e. paternity and maternity not confirmed) de novo in at least one similarly affected unrelated individual (PMID: 28379373). Different missense changes at the same codon (p.Arg1319Leu, p.Arg1319Pro, p.Arg1319Trp) have been reported as pathogenic/likely pathogenic with strong evidence (ClinVar ID: VCV000379254, VCV000410982, VCV002203163 /PMID: 27779742, 27781031). Therefore, this variant is classified as Pathogenic according to the recommendation of ACMG/AMP guideline.

GeneDx
Classification: Pathogenic. Last evaluated: 2023-03-08. Review status: criteria provided, single submitter. Criteria: GeneDx Variant Classification Process June 2021. Collection method: clinical testing. Allele origin: germline. Affected: yes.
Comment: Reported in multiple unrelated families with benign familial neonatal-infantile seizures (BFNIS) and benign familial infantile seizures (BFIS) (PMID: 15048894, 23360469); Published functional studies demonstrates loss of Nav1.2 channel function and neuronal hyperexcitability (PMID: 18479388, 17021166); In silico analysis supports that this missense variant has a deleterious effect on protein structure/function; Missense variants in this gene are often considered pathogenic (HGMD); Multiple pathogenic missense variants at this residue (p.R1319W, p.R1319L) have been reported in association with SCN2A-related disorders (HGMD); Not observed at significant frequency in large population cohorts (gnomAD); This variant is associated with the following publications: (PMID: 29307654, 28379373, 28488083, 29635106, 17021166, 23360469, 28717674, 29655203, 31558572, 32090326, 35431799, 18479388, 15048894)

MGZ Medical Genetics Center
Classification: Pathogenic for Seizures, benign familial infantile, 3. Last evaluated: 2022-07-07. Review status: criteria provided, single submitter. Criteria: ACMG Guidelines, 2015. Collection method: clinical testing. Allele origin: germline. Affected: yes. Observed: 1 variant allele.
Comment: ACMG criteria applied: PS3, PS4, PM5, PM6, PM2_SUP, PP1, PP2, PP3

Institute of Human Genetics, University of Leipzig Medical Center
Classification: Pathogenic for Seizures, benign familial infantile, 3. Last evaluated: 2021-11-05. Review status: criteria provided, single submitter. Criteria: ACMG Guidelines, 2015. Collection method: clinical testing. Allele origin: paternal. Affected: yes.
Comment: _x000D_ Criteria applied: PS3, PM5_STR, PP1_STR, PS4_MOD, PM1, PM2_SUP, PP3

Blueprint Genetics
Classification: Pathogenic for SCN2A-related disorders. Last evaluated: 2021-06-08. Review status: criteria provided, single submitter. Criteria: ACMG Guidelines, 2015. Collection method: clinical testing. Allele origin: germline. Affected: yes. Observed: 2 variant alleles.

Cytogénomique, Hospices Civils de Lyon
Classification: Pathogenic for Seizures, benign familial infantile, 3. Last evaluated: 2017-05-24. Review status: criteria provided, single submitter. Criteria: ACMG Guidelines, 2015. Collection method: clinical testing. Allele origin: unknown. Inheritance: Autosomal dominant inheritance. Affected: yes.

Neurology Department, Shenzhen Children's Hospital
Classification: Pathogenic for Benign familial infantile epilepsy. Last evaluated: 2022-02-16. Review status: no assertion criteria provided. Collection method: clinical testing. Allele origin: de novo. Affected: yes. Not counted in ClinVar's aggregate classification.

Neurology Department, Shenzhen Children's Hospital
Classification: Pathogenic for Developmental and epileptic encephalopathy. Last evaluated: 2022-02-16. Review status: no assertion criteria provided. Collection method: clinical testing. Allele origin: de novo. Affected: yes. Not counted in ClinVar's aggregate classification.

OMIM
Classification: Pathogenic for SEIZURES, BENIGN FAMILIAL INFANTILE, 3. Last evaluated: 2004-04-01. Review status: no assertion criteria provided. Collection method: literature only. Allele origin: germline. Not counted in ClinVar's aggregate classification.

OMIM
Classification: Pathogenic for DEVELOPMENTAL AND EPILEPTIC ENCEPHALOPATHY 11. Last evaluated: 2004-04-01. Review status: no assertion criteria provided. Collection method: literature only. Allele origin: germline. Not counted in ClinVar's aggregate classification.

Channelopathy-Associated Epilepsy Research Center
No classification provided (evidence only). Condition: Complex neurodevelopmental disorder. Review status: no classification provided. Collection method: literature only. Allele origin: not applicable. Functional consequence: Mild depolarizing shift of voltage dependence of activation, Increase of subthreshold current, Mild depolarizing shift of voltage dependence of fast inactivation, Normal peak current, Normal slope of activation, Normal slope of fast inactivation, Normal rate of recovery from fast inactivation, Normal persistent current, Overall gain-of-function. Not counted in ClinVar's aggregate classification.
ClinVar note: "not provided" was previously submitted as the classification for the variant. However, the classification appeared to be based only on an observation of functional data so it was converted to no classification on 2025-07-30.

Department of Neurology, Children’s Hospital of Chongqing Medical University
Classification: Likely pathogenic for Seizures, benign familial infantile, 3. Review status: no assertion criteria provided. Criteria: ACMG Guidelines, 2015. Collection method: research. Allele origin: paternal. Affected: yes. Not counted in ClinVar's aggregate classification.

Department of Neurology, Children’s Hospital of Chongqing Medical University
Classification: Likely pathogenic for benign sporadic infantile epilepsy. Review status: no assertion criteria provided. Criteria: ACMG Guidelines, 2015. Collection method: research. Allele origin: paternal. Affected: yes. Not counted in ClinVar's aggregate classification.

Literature cited by the submitters: PubMed 15048894 (cited by 4 submitters); PubMed 28379373 (cited by 3 submitters); PubMed 18479388 (cited by Labcorp Genetics (formerly Invitae), Labcorp and Cytogénomique, Hospices Civils de Lyon); PubMed 27781031 (cited by Labcorp Genetics (formerly Invitae), Labcorp); PubMed 27779742 (cited by 3billion); PubMed 17021166 (cited by Channelopathy-Associated Epilepsy Research Center).

NM_001040142.2(SCN2A):c.3956G>A (p.Arg1319Gln)

Gene: SCN2A (sodium voltage-gated channel alpha subunit 2; plus strand). Cytogenetic location: 2q24.3.
Variant type: single nucleotide variant.
Coding change: c.3956G>A on transcript NM_001040142.2 (MANE Select); coding-DNA position 3956, G replaced by A.
Protein change: p.Arg1319Gln; replaces arginine 1319 with glutamine.
Molecular consequence: missense variant.
Genome position (GRCh38, 1-based): chr2:165,373,331, G>A. VCF-style: chr2-165373331-G-A. GRCh37 (hg19) VCF-style: chr2-166229841-G-A.
Other names: p.R1319Q:CGG>CAG; c.3956G>A, p.Arg1319Gln (NM_001040143.2, NM_001371246.1, NM_001371247.1 and 1 more transcripts); short protein forms R1319Q.
Identifiers: ClinVar variation 12880 (VCV000012880.49), dbSNP rs121917753, ClinGen allele CA122773.